The following is an entry in ClinVar:

NM_004369.4(COL6A3):c.5045A>G (p.Gln1682Arg)

Gene: COL6A3 (collagen type VI alpha 3 chain; minus strand). Cytogenetic location: 2q37.3.
Variant type: single nucleotide variant.
Coding change: c.5045A>G on transcript NM_004369.4 (MANE Select); coding-DNA position 5045, A replaced by G.
Protein change: p.Gln1682Arg; replaces glutamine 1682 with arginine.
Molecular consequence: missense variant.
Genome position (GRCh38, 1-based): chr2:237,367,142, T>C on the plus strand (A>G on the coding strand, the complement: COL6A3 is on the minus strand). VCF-style: chr2-237367142-T-C. GRCh37 (hg19) VCF-style: chr2-238275785-T-C.
Other names: c.3224A>G, p.Gln1075Arg (NM_057166.5); c.4427A>G, p.Gln1476Arg (NM_057167.4); short protein forms Q1075R, Q1682R, Q1476R.
Identifiers: ClinVar variation 1366646 (VCV001366646.10), dbSNP rs1026210962, ClinGen allele CA67814664.

ClinVar aggregate classification (germline): Uncertain significance. Review status: criteria provided, multiple submitters, no conflicts (2 of 4 stars). 2 submissions from 2 submitters: Uncertain significance (2). Last evaluated 2025-12-02.

Conditions:
Bethlem myopathy 1A. Also called: Bethlem myopathy 1; Bethlem Muscular Dystrophy; MYOPATHY, BENIGN CONGENITAL, WITH CONTRACTURES. Identifiers: Orphanet 610, MedGen CN029274, MONDO:0024530, OMIM 158810.

Allele frequency attached by ClinVar (database versions not stated): gnomAD exomes below 0.00001 and 0.00001; gnomAD 0.00001; TOPMed 0.00002.
gnomAD v4.1: 5 of 1,614,234 alleles (0.00031%); highest among the groups gnomAD compares: African/African-American, 0.004%; no homozygotes.

Submissions (2):

Women's Health and Genetics/Laboratory Corporation of America, LabCorp
Classification: Uncertain significance. Last evaluated: 2025-12-02. Review status: criteria provided, single submitter. Criteria: LabCorp Variant Classification Summary - May 2015. Collection method: clinical testing. Allele origin: germline.
Comment: Variant summary: COL6A3 c.5045A>G (p.Gln1682Arg) results in a conservative amino acid change located in the von Willebrand factor, type A repeat domain (IPR002035) of the encoded protein sequence. Algorithms developed to predict the effect of missense changes on protein structure and function are either unavailable or do not agree on the potential impact of this missense change. The variant allele was found at a frequency of 8e-06 in 251358 control chromosomes. The available data on variant occurrences in the general population are insufficient to allow any conclusion about variant significance. To our knowledge, no occurrence of c.5045A>G in individuals affected with COL6A3-related conditions and no experimental evidence demonstrating its impact on protein function have been reported. ClinVar contains an entry for this variant (Variation ID: 1366646). Based on the evidence outlined above, the variant was classified as uncertain significance.

Labcorp Genetics (formerly Invitae), Labcorp
Classification: Uncertain significance for Bethlem myopathy 1A. Last evaluated: 2024-11-13. Review status: criteria provided, single submitter. Criteria: Invitae Variant Classification Sherloc (09022015). Collection method: clinical testing. Allele origin: germline.
Comment: This sequence change replaces glutamine, which is neutral and polar, with arginine, which is basic and polar, at codon 1682 of the COL6A3 protein (p.Gln1682Arg). This variant is present in population databases (no rsID available, gnomAD 0.007%). This variant has not been reported in the literature in individuals affected with COL6A3-related conditions. ClinVar contains an entry for this variant (Variation ID: 1366646). Invitae Evidence Modeling of protein sequence and biophysical properties (such as structural, functional, and spatial information, amino acid conservation, physicochemical variation, residue mobility, and thermodynamic stability) indicates that this missense variant is expected to disrupt COL6A3 protein function with a positive predictive value of 80%. In summary, the available evidence is currently insufficient to determine the role of this variant in disease. Therefore, it has been classified as a Variant of Uncertain Significance.